The following is an entry in ClinVar:

NM_025179.4(PLXNA2):c.1477C>T (p.Arg493Cys)

Gene: PLXNA2 (plexin A2; minus strand). Cytogenetic location: 1q32.2.
Variant type: single nucleotide variant.
Coding change: c.1477C>T on transcript NM_025179.4 (MANE Select); coding-DNA position 1477, C replaced by T.
Protein change: p.Arg493Cys; replaces arginine 493 with cysteine.
Molecular consequence: missense variant.
Genome position (GRCh38, 1-based): chr1:208,142,358, G>A on the plus strand (C>T on the coding strand, the complement: PLXNA2 is on the minus strand). VCF-style: chr1-208142358-G-A. GRCh37 (hg19) VCF-style: chr1-208315703-G-A.
Other names: c.1477C>T (NM_025179.3); short protein forms R493C.
Identifiers: ClinVar variation 1408993 (VCV001408993.9), dbSNP rs750345311, ClinGen allele CA1373838.

ClinVar aggregate classification (germline): Uncertain significance. Review status: criteria provided, single submitter (1 of 4 stars). 2 submissions from 2 submitters: Uncertain significance (1). 1 of the submissions does not count toward it. Last evaluated 2023-05-16.

Conditions:
PLXNA2-related disorder. Also called: PLXNA2-related condition.

Allele frequency attached by ClinVar (database versions not stated): gnomAD 0.00003 and 0.00004; ExAC 0.00005; gnomAD exomes 0.00005.
gnomAD v4.1: 154 of 1,613,198 alleles (0.0095%); highest among the groups gnomAD compares: Non-Finnish European, 0.013%; no homozygotes.

Submissions (2):

Labcorp Genetics (formerly Invitae), Labcorp
Classification: Uncertain significance. Last evaluated: 2023-05-16. Review status: criteria provided, single submitter. Criteria: Invitae Variant Classification Sherloc (09022015). Collection method: clinical testing. Allele origin: germline.
Comment: In summary, the available evidence is currently insufficient to determine the role of this variant in disease. Therefore, it has been classified as a Variant of Uncertain Significance. Advanced modeling of protein sequence and biophysical properties (such as structural, functional, and spatial information, amino acid conservation, physicochemical variation, residue mobility, and thermodynamic stability) has been performed at Invitae for this missense variant, however the output from this modeling did not meet the statistical confidence thresholds required to predict the impact of this variant on PLXNA2 protein function. ClinVar contains an entry for this variant (Variation ID: 1408993). This variant has not been reported in the literature in individuals affected with PLXNA2-related conditions. The frequency data for this variant in the population databases is considered unreliable, as metrics indicate poor data quality at this position in the gnomAD database. This sequence change replaces arginine, which is basic and polar, with cysteine, which is neutral and slightly polar, at codon 493 of the PLXNA2 protein (p.Arg493Cys).

PreventionGenetics, part of Exact Sciences
Classification: Uncertain significance for PLXNA2-related condition. Last evaluated: 2024-06-11. Review status: no assertion criteria provided. Collection method: clinical testing. Allele origin: germline. Not counted in ClinVar's aggregate classification.
Comment: The PLXNA2 c.1477C>T variant is predicted to result in the amino acid substitution p.Arg493Cys. To our knowledge, this variant has not been reported in the literature. This variant is reported in 0.010% of alleles in individuals of European (Non-Finnish) descent in gnomAD. At this time, the clinical significance of this variant is uncertain due to the absence of conclusive functional and genetic evidence.